The following is an entry in ClinVar:

ClinVar aggregate classification (germline): Likely benign (1 of 4 stars; one submission).

gnomAD v4.1: 11 of 1,614,132 alleles (0.00068%); highest among the groups gnomAD compares: Middle Eastern, 0.016%; no homozygotes.

Submission:

CeGaT Center for Human Genetics Tuebingen
Classification: Likely benign. Last evaluated: 2026-01-01. Review status: criteria provided, single submitter. Criteria: CeGaT Center For Human Genetics Tuebingen Variant Classification Criteria Version 2. Collection method: clinical testing. Allele origin: germline. Affected: yes. Observed: 1 variant allele.
Comment: WARS1: BP4, BP7

NM_004184.4(WARS1):c.1359G>A (p.Thr453=)

Gene: WARS1 (tryptophanyl-tRNA synthetase 1; minus strand). Cytogenetic location: 14q32.2.
Variant type: single nucleotide variant.
Coding change: c.1359G>A on transcript NM_004184.4 (MANE Select); coding-DNA position 1359, G replaced by A.
Protein change: p.Thr453=; no amino-acid change (threonine 453 retained).
Molecular consequence: synonymous variant.
Genome position (GRCh38, 1-based): chr14:100,334,932, C>T on the plus strand (G>A on the coding strand, the complement: WARS1 is on the minus strand). VCF-style: chr14-100334932-C-T. GRCh37 (hg19) VCF-style: chr14-100801269-C-T.
Other names: c.1236G>A, p.Thr412= (NM_213645.2, NM_213646.2); c.1359G>A, p.Thr453= (NM_173701.2).
Identifiers: ClinVar variation 4821963 (VCV004821963.4).